The following is an entry in ClinVar:

NM_005591.4(MRE11):c.939del (p.Val313_Leu314insTer)

Gene: MRE11 (MRE11 double strand break repair nuclease; minus strand). Cytogenetic location: 11q21.
Variant type: Deletion.
Coding change: c.939del on transcript NM_005591.4 (MANE Select); coding-DNA position 939, one base deleted (T; older notation c.939delT).
Protein change: p.Val313_Leu314insTer.
Molecular consequence: frameshift variant. On other transcripts: nonsense (2).
Genome position (GRCh38, 1-based): chr11:94,470,549, A deleted on the plus strand (T on the coding strand, the reverse complement: MRE11 is on the minus strand); the first of 2 consecutive A bases (chr11:94,470,549-94,470,550); deleting either gives the same sequence. VCF-style (leftmost placement, unchanged base first): chr11-94470548-GA-G. GRCh37 (hg19) VCF-style: chr11-94203714-GA-G.
Other names: c.939delT (NM_005591.3); c.939del (NM_005591.3); c.939del, p.Val313_Leu314insTer (NM_001330347.2, NM_005590.4); c.938delT, p.Leu314Terfs (NM_005591.3).
Identifiers: ClinVar variation 1800442 (VCV001800442.7), dbSNP rs765675945, ClinGen allele CA6235256.

ClinVar aggregate classification (germline): Pathogenic/Likely pathogenic. Review status: criteria provided, multiple submitters, no conflicts (2 of 4 stars). 4 submissions from 4 submitters: Pathogenic (2); Likely pathogenic (2). Last evaluated 2024-03-24.

Conditions:
Ataxia-telangiectasia-like disorder (ATLD). Identifiers: MedGen C1858391, MONDO:0011457.
Hereditary cancer-predisposing syndrome. Also called: Neoplastic Syndromes, Hereditary; Tumor predisposition; Hereditary Cancer Syndrome; Hereditary neoplastic syndrome. Identifiers: Orphanet 140162, MedGen C0027672, MeSH D009386, MONDO:0015356.
Ataxia-telangiectasia-like disorder 1 (ATLD1). Identifiers: Orphanet 251347, MedGen C4012790, MONDO:0024557, OMIM 604391.

Submissions (4):

Quest Diagnostics Nichols Institute San Juan Capistrano
Classification: Likely pathogenic. Last evaluated: 2024-03-24. Review status: criteria provided, single submitter. Criteria: Quest Diagnostics criteria. Collection method: clinical testing. Allele origin: unknown.
Comment: The MRE11 c.939del (p.Leu314*) variant is predicted to cause the premature termination of MRE11 protein synthesis. This variant has not been reported in individuals with MRE11-related conditions in the published literature. The frequency of this variant in the general population, 0.000004 (1/251024 chromosomes (Genome Aggregation Database)), is uninformative in the assessment of its pathogenicity. Based on the available information, this variant is classified as likely pathogenic.

Fulgent Genetics
Classification: Likely pathogenic for Ataxia-telangiectasia-like disorder 1. Last evaluated: 2024-02-17. Review status: criteria provided, single submitter. Criteria: ACMG Guidelines, 2015. Collection method: clinical testing. Allele origin: germline.

Labcorp Genetics (formerly Invitae), Labcorp
Classification: Pathogenic for Ataxia-telangiectasia-like disorder. Last evaluated: 2023-03-21. Review status: criteria provided, single submitter. Criteria: Invitae Variant Classification Sherloc (09022015). Collection method: clinical testing. Allele origin: germline.
Comment: This sequence change creates a premature translational stop signal (p.Leu314*) in the MRE11 gene. It is expected to result in an absent or disrupted protein product. Loss-of-function variants in MRE11 are known to be pathogenic (PMID: 23080121, 23912341). This variant is present in population databases (rs765675945, gnomAD 0.0009%). This variant has not been reported in the literature in individuals affected with MRE11-related conditions. ClinVar contains an entry for this variant (Variation ID: 1800442). For these reasons, this variant has been classified as Pathogenic.

Ambry Genetics
Classification: Pathogenic for Hereditary cancer-predisposing syndrome. Last evaluated: 2019-10-10. Review status: criteria provided, single submitter. Criteria: Ambry Variant Classification Scheme 2023. Collection method: clinical testing. Allele origin: germline.
Comment: The c.939delT pathogenic mutation, located in coding exon 8 of the MRE11A gene, results from a deletion of one nucleotide at nucleotide position 939. This changes the amino acid from a leucine to a stop codon (p.L314*). This alteration has been detected in 0/3030 patients with pancreatic cancer and 1/123136 controls (Hu C et al. JAMA, 2018 06;319:2401-2409). In addition to the clinical data presented in the literature, this alteration is expected to result in loss of function by premature protein truncation or nonsense-mediated mRNA decay. As such, this alteration is interpreted as a disease-causing mutation.

Literature cited by the submitters: PubMed 29922827 (cited by Quest Diagnostics Nichols Institute San Juan Capistrano and Ambry Genetics); PubMed 23080121 (cited by Labcorp Genetics (formerly Invitae), Labcorp); PubMed 23912341 (cited by Labcorp Genetics (formerly Invitae), Labcorp).